The following is an entry in ClinVar:

ClinVar aggregate classification (germline): Pathogenic. Review status: criteria provided, single submitter (1 of 4 stars). 2 submissions from 2 submitters: Pathogenic (1). 1 of the submissions does not count toward it. Last evaluated 2020-04-09.

Conditions:
Tuberous sclerosis syndrome (TSC). Also called: Tuberous Sclerosis Complex; Tuberous sclerosis. Identifiers: Orphanet 805, MedGen C0041341, MONDO:0001734.
Tuberous sclerosis 2 (TSC2). Identifiers: Orphanet 805, MedGen C1860707, MONDO:0013199, OMIM 613254.

Submissions (2):

Victorian Clinical Genetics Services, Murdoch Childrens Research Institute
Classification: Pathogenic for Tuberous sclerosis 2. Last evaluated: 2020-04-09. Review status: criteria provided, single submitter. Criteria: ACMG Guidelines, 2015. Collection method: clinical testing. Allele origin: germline. Inheritance: Autosomal dominant inheritance. Affected: yes.
Comment: Based on the classification scheme VCGS_Germline_v1.1.1, this variant is classified as Pathogenic. Following criteria are met: 0102 - Loss-of-function is a known mechanism of disease for this gene. (N) 0107 - This gene is known to be associated with autosomal dominant disease. (N) 0201 - Variant is predicted to cause nonsense-mediated decay (NMD) and loss of protein (exon 2 of 42). (P) 0251 - Variant is heterozygous. (N) 0301 - Variant is absent from gnomAD. (P) 0401 - Variant is located in a gene associated with a severe early-onset dominant condition that is intolerant to loss-of-function variants. (P) 0507 - Identified variant type is not compatible with in silico predictions of pathogenicity. (N) 0701 - Comparable variants have very strong previous evidence for pathogenicity (ClinVar). (P) 0804 - Variant has previously been described in cases with consistent phenotype (ClinVar). (N) 0905 - No segregation evidence has been identified for this variant. (N) 1007 - No published functional evidence has been identified for this variant. (N) 1208 - Segregation information for this variant is not currently available. (N) Legend: (P) - Pathogenic, (N) - Neutral, (B) - Benign

Tuberous sclerosis database (TSC2)
No classification provided. Condition: TSC. Review status: no classification provided. Criteria: Tuberous Sclerosis Database Assertion Criteria 2015. Collection method: curation. Allele origin: germline. Affected: yes. Not counted in ClinVar's aggregate classification.

NM_000548.5(TSC2):c.136A>T (p.Arg46Ter)

Gene: TSC2 (TSC complex subunit 2; plus strand). Cytogenetic location: 16p13.3.
Variant type: single nucleotide variant.
Coding change: c.136A>T on transcript NM_000548.5 (MANE Select); coding-DNA position 136, A replaced by T.
Protein change: p.Arg46Ter; replaces arginine 46 with a stop codon.
Molecular consequence: nonsense. On other transcripts: 5 prime UTR variant (1), intron variant (1).
Genome position (GRCh38, 1-based): chr16:2,048,751, A>T. VCF-style: chr16-2048751-A-T. GRCh37 (hg19) VCF-style: chr16-2098752-A-T.
Other names: c.136A>T, p.Arg46Ter (NM_001077183.3, NM_001114382.3, NM_001318827.2 and 4 more transcripts); c.-91A>T (NM_001318831.2); c.169A>T, p.Arg57Ter (NM_001318832.2); c.-10+686A>T (NM_001318829.2); short protein forms R46*, R57*.
Identifiers: ClinVar variation 50188 (VCV000050188.3), dbSNP rs137854266, ClinGen allele CA014603.